The following is an entry in ClinVar:

NM_002476.2(MYL4):c.113C>A (p.Ala38Asp)

Gene: MYL4 (myosin light chain 4; plus strand). Cytogenetic location: 17q21.32.
Variant type: single nucleotide variant.
Coding change: c.113C>A on transcript NM_002476.2 (MANE Select); coding-DNA position 113, C replaced by A.
Protein change: p.Ala38Asp; replaces alanine 38 with aspartic acid.
Molecular consequence: missense variant.
Genome position (GRCh38, 1-based): chr17:47,209,535, C>A. VCF-style: chr17-47209535-C-A. GRCh37 (hg19) VCF-style: chr17-45286901-C-A.
Other names: c.113C>A, p.Ala38Asp (NM_001002841.2); short protein forms A38D.
Identifiers: ClinVar variation 542789 (VCV000542789.8), dbSNP rs780020430, ClinGen allele CA8622568.

ClinVar aggregate classification (germline): Uncertain significance (1 of 4 stars; one submission).

Conditions:
Atrial fibrillation, familial, 18 (ATFB18). Identifiers: MedGen C4310636, MONDO:0015001, OMIM 617280.

Allele frequency attached by ClinVar (database versions not stated): TOPMed 0.00003.
gnomAD v4.1: 25 of 1,614,092 alleles (0.0015%); highest among the groups gnomAD compares: Middle Eastern, 0.033%; no homozygotes.

Submission:

Labcorp Genetics (formerly Invitae), Labcorp
Classification: Uncertain significance for Atrial fibrillation, familial, 18. Last evaluated: 2025-04-23. Review status: criteria provided, single submitter. Criteria: Invitae Variant Classification Sherloc (09022015). Collection method: clinical testing. Allele origin: germline.
Comment: This sequence change replaces alanine, which is neutral and non-polar, with aspartic acid, which is acidic and polar, at codon 38 of the MYL4 protein (p.Ala38Asp). This variant is present in population databases (rs780020430, gnomAD 0.009%). This variant has not been reported in the literature in individuals affected with MYL4-related conditions. ClinVar contains an entry for this variant (Variation ID: 542789). Experimental studies and prediction algorithms are not available or were not evaluated, and the functional significance of this variant is currently unknown. In summary, the available evidence is currently insufficient to determine the role of this variant in disease. Therefore, it has been classified as a Variant of Uncertain Significance.